The following is an entry in ClinVar:

NM_030958.3(SLCO5A1):c.491G>A (p.Ser164Asn)

Gene: SLCO5A1 (solute carrier organic anion transporter family member 5A1; minus strand). Cytogenetic location: 8q13.3.
Variant type: single nucleotide variant.
Coding change: c.491G>A on transcript NM_030958.3 (MANE Select); coding-DNA position 491, G replaced by A.
Protein change: p.Ser164Asn; replaces serine 164 with asparagine.
Molecular consequence: missense variant.
Genome position (GRCh38, 1-based): chr8:69,832,183, C>T on the plus strand (G>A on the coding strand, the complement: SLCO5A1 is on the minus strand). VCF-style: chr8-69832183-C-T. GRCh37 (hg19) VCF-style: chr8-70744418-C-T.
Other names: c.491G>A, p.Ser164Asn (NM_001146008.2, NM_001146009.1); short protein forms S164N.
Identifiers: ClinVar variation 2124596 (VCV002124596.4), dbSNP rs1821184983, ClinGen allele CA371267541.

ClinVar aggregate classification (germline): Uncertain significance (1 of 4 stars; one submission).

Submission:

Labcorp Genetics (formerly Invitae), Labcorp
Classification: Uncertain significance. Last evaluated: 2022-04-18. Review status: criteria provided, single submitter. Criteria: Invitae Variant Classification Sherloc (09022015). Collection method: clinical testing. Allele origin: germline.
Comment: In summary, the available evidence is currently insufficient to determine the role of this variant in disease. Therefore, it has been classified as a Variant of Uncertain Significance. Algorithms developed to predict the effect of missense changes on protein structure and function are either unavailable or do not agree on the potential impact of this missense change (SIFT: "Deleterious"; PolyPhen-2: "Probably Damaging"; Align-GVGD: "Class C0"). This variant has not been reported in the literature in individuals affected with SLCO5A1-related conditions. This variant is not present in population databases (gnomAD no frequency). This sequence change replaces serine, which is neutral and polar, with asparagine, which is neutral and polar, at codon 164 of the SLCO5A1 protein (p.Ser164Asn).